The following is an entry in ClinVar:

NM_000138.5(FBN1):c.4016G>C (p.Cys1339Ser)

Gene: FBN1 (fibrillin 1; minus strand). Cytogenetic location: 15q21.1.
Variant type: single nucleotide variant.
Coding change: c.4016G>C on transcript NM_000138.5 (MANE Select); coding-DNA position 4016, G replaced by C.
Protein change: p.Cys1339Ser; replaces cysteine 1339 with serine.
Molecular consequence: missense variant.
Genome position (GRCh38, 1-based): chr15:48,474,599, C>G on the plus strand (G>C on the coding strand, the complement: FBN1 is on the minus strand). VCF-style: chr15-48474599-C-G. GRCh37 (hg19) VCF-style: chr15-48766796-C-G.
Other names: short protein forms C1339S.
Identifiers: ClinVar variation 42346 (VCV000042346.20), dbSNP rs397515798, ClinGen allele CA014696.

ClinVar aggregate classification (germline): Pathogenic/Likely pathogenic. Review status: criteria provided, multiple submitters, no conflicts (2 of 4 stars). 2 submissions from 2 submitters: Pathogenic (1); Likely pathogenic (1). Last evaluated 2021-03-01.

Conditions:
Marfan syndrome (MFS). Also called: FBN1-Related Marfan Syndrome; Marfan syndrome, classic; MARFAN SYNDROME, TYPE I; Marfan syndrome type 1; Marfan's syndrome. Identifiers: Orphanet 284963, Orphanet 558, MedGen C0024796, MONDO:0007947, OMIM 154700.

Submissions (2):

Centre of Medical Genetics, University of Antwerp
Classification: Pathogenic for Marfan syndrome. Last evaluated: 2021-03-01. Review status: criteria provided, single submitter. Criteria: Submitter's publication. Collection method: research. Allele origin: unknown. Affected: yes.
Comment: PM2, PVS2, PP4

Laboratory for Molecular Medicine, Mass General Brigham Personalized Medicine
Classification: Likely pathogenic for Marfan syndrome. Last evaluated: 2010-12-06. Review status: criteria provided, single submitter. Criteria: LMM Criteria. Collection method: clinical testing. Allele origin: germline. Observed: 1 variant allele.
Comment: The 4016G>C (Cys1339Ser) variant has not been previously reported in the literat ure or been identified by our laboratory. Another variant at this position, Cys1 339Tyr, has been reported in an individual with Marfan syndrome (Loeys 2001). Th is variant affects a cysteine residue; cysteine substitutions are a common findi ng in individuals with Marfan syndrome (Schrijver 1999). Cystine at amino acid p osition 1339 is highly conserved across evolutionarily distinct species. Therefo re, this variant is likely to be pathogenic.

Literature cited by the submitters: PubMed 10486319 (cited by Laboratory for Molecular Medicine, Mass General Brigham Personalized Medicine); PubMed 11700157 (cited by Laboratory for Molecular Medicine, Mass General Brigham Personalized Medicine).